The following is an entry in ClinVar:

NM_001283009.2(RTEL1):c.766-19G>A

Genes: RTEL1 (regulator of telomere elongation helicase 1; plus strand), RTEL1-TNFRSF6B (RTEL1-TNFRSF6B readthrough (NMD candidate); plus strand). Cytogenetic location: 20q13.33.
Variant type: single nucleotide variant.
Coding change: c.766-19G>A on transcript NM_001283009.2 (MANE Select); 19 bases into the intron before coding-DNA position 766, G replaced by A.
Molecular consequence: intron variant.
Genome position (GRCh38, 1-based): chr20:63,673,921, G>A. VCF-style: chr20-63673921-G-A. GRCh37 (hg19) VCF-style: chr20-62305274-G-A.
Other names: c.97-19G>A (NM_001283010.1); c.838-19G>A (NM_032957.5); c.766-19G>A (NM_016434.4).
Identifiers: ClinVar variation 496489 (VCV000496489.20), dbSNP rs2297437, ClinGen allele CA9964446.
Genomic context (GRCh38, chr20:63,673,921, plus strand): 5'-CACCCCCACCCCATTTCTGCTTTCTGGAACCCCCGATCCTGTCCTGTTCTGTGGTGATTC[G>A]GGTGTGCTTGGGCTCTAGGAGAAGATGTGTGAAGAATCGGCATCCTTTGACCTGACTCCC-3'

ClinVar aggregate classification (germline): Benign. Review status: criteria provided, multiple submitters, no conflicts (2 of 4 stars). 9 submissions from 8 submitters: Benign (9). Last evaluated 2026-02-04.

Conditions:
Dyskeratosis congenita, autosomal recessive 5 (DKCB5). Identifiers: MedGen C3554656, MONDO:0014076, OMIM 615190.
Pulmonary fibrosis and/or bone marrow failure, Telomere-related, 3. Also called: PULMONARY FIBROSIS AND/OR BONE MARROW FAILURE SYNDROME, TELOMERE-RELATED, 3. Identifiers: Orphanet 2032, MedGen C4225346, MONDO:0014613, OMIM 616373.

Allele frequency attached by ClinVar (database versions not stated): gnomAD exomes 0.20929 and 0.24810; ExAC 0.24911; ESP Exome Variant Server 0.25065; gnomAD 0.25212 and 0.25381; TOPMed 0.27179; 1000 Genomes Project 0.29373; 1000 Genomes Project 30x 0.29825.
gnomAD v4.1: 341,955 of 1,598,310 alleles (21%); highest among the groups gnomAD compares: Admixed American, 38%; 40,369 homozygotes.

Submissions (9):

Labcorp Genetics (formerly Invitae), Labcorp
Classification: Benign for Dyskeratosis congenita, autosomal recessive 5; Pulmonary fibrosis and/or bone marrow failure, Telomere-related, 3. Last evaluated: 2026-02-04. Review status: criteria provided, single submitter. Criteria: Invitae Variant Classification Sherloc (09022015). Collection method: clinical testing. Allele origin: germline.

ARUP Laboratories, Molecular Genetics and Genomics, ARUP Laboratories
Classification: Benign. Last evaluated: 2025-07-14. Review status: criteria provided, single submitter. Criteria: ARUP Molecular Germline Variant Investigation Process 2024. Collection method: clinical testing. Allele origin: germline.

Blueprint Genetics
Classification: Benign. Last evaluated: 2024-11-28. Review status: criteria provided, single submitter. Criteria: ACMG Guidelines, 2015. Collection method: clinical testing. Allele origin: germline.

Unidad de Genómica Garrahan, Hospital de Pediatría Garrahan
Classification: Benign. Last evaluated: 2024-01-24. Review status: criteria provided, single submitter. Criteria: ACMG Guidelines, 2015. Collection method: clinical testing. Allele origin: germline. Affected: no. Observed: 48 variant alleles.
Comment: This variant is classified as Benign based on local population frequency. This variant was detected in 51% of patients studied by a panel of primary immunodeficiencies. Number of patients: 48. Only high quality variants are reported.

Genome-Nilou Lab
Classification: Benign for Dyskeratosis congenita, autosomal recessive 5. Last evaluated: 2021-07-10. Review status: criteria provided, single submitter. Criteria: ACMG Guidelines, 2015. Collection method: clinical testing. Allele origin: germline. Affected: no.

Genome-Nilou Lab
Classification: Benign for Pulmonary fibrosis and/or bone marrow failure, Telomere-related, 3. Last evaluated: 2021-07-10. Review status: criteria provided, single submitter. Criteria: ACMG Guidelines, 2015. Collection method: clinical testing. Allele origin: germline. Affected: no.

GeneDx
Classification: Benign. Last evaluated: 2018-11-12. Review status: criteria provided, single submitter. Criteria: GeneDx Variant Classification Process June 2021. Collection method: clinical testing. Allele origin: germline. Affected: yes.

Women's Health and Genetics/Laboratory Corporation of America, LabCorp
Classification: Benign. Last evaluated: 2017-07-10. Review status: criteria provided, single submitter. Criteria: LabCorp Variant Classification Summary - May 2015. Collection method: clinical testing. Allele origin: germline.
Comment: Variant summary: The RTEL1 c.838-19G>A variant involves the alteration of a non-conserved intronic nucleotide that 3/5 splice prediction tools predict no significant impact on normal splicing. However, these predictions have yet to be confirmed by functional studies. This variant was found in 29035/116556 control chromosomes (4098 homozygotes) at a frequency of 0.2491077, which is approximately 223 times the estimated maximal expected allele frequency of a pathogenic RTEL1 variant (0.001118), suggesting this variant is likely a benign polymorphism. Taken together, this variant is classified as benign.

Breakthrough Genomics
Classification: Benign. Review status: criteria provided, single submitter. Criteria: ACMG Guidelines, 2015. Collection method: not provided. Allele origin: germline. Inheritance: Autosomal recessive inheritance. Affected: yes.